The following is an entry in ClinVar:

NM_001364171.2(ODAD1):c.1192G>A (p.Glu398Lys)

Gene: ODAD1 (outer dynein arm docking complex subunit 1; minus strand). Cytogenetic location: 19q13.33.
Variant type: single nucleotide variant.
Coding change: c.1192G>A on transcript NM_001364171.2 (MANE Select); coding-DNA position 1192, G replaced by A.
Protein change: p.Glu398Lys; replaces glutamic acid 398 with lysine.
Molecular consequence: missense variant.
Genome position (GRCh38, 1-based): chr19:48,302,742, C>T on the plus strand (G>A on the coding strand, the complement: ODAD1 is on the minus strand). VCF-style: chr19-48302742-C-T. GRCh37 (hg19) VCF-style: chr19-48805999-C-T.
Other names: c.1081G>A, p.Glu361Lys (NM_144577.4); short protein forms E361K, E398K.
Identifiers: ClinVar variation 525383 (VCV000525383.14), dbSNP rs1462057746, ClinGen allele CA406659076.

ClinVar aggregate classification (germline): Uncertain significance. Review status: criteria provided, multiple submitters, no conflicts (2 of 4 stars). 4 submissions from 4 submitters: Uncertain significance (4). Last evaluated 2025-03-29.

Conditions:
Primary ciliary dyskinesia. Also called: Ciliary dyskinesia. Identifiers: Orphanet 244, MedGen C0008780, MONDO:0016575, HP:0012265.

Allele frequency attached by ClinVar (database versions not stated): gnomAD exomes 0.00001.
gnomAD v4.1: 26 of 1,613,324 alleles (0.0016%); highest among the groups gnomAD compares: Middle Eastern, 0.33%; 1 homozygote.

Submissions (4):

Labcorp Genetics (formerly Invitae), Labcorp
Classification: Uncertain significance for Primary ciliary dyskinesia. Last evaluated: 2025-03-29. Review status: criteria provided, single submitter. Criteria: Invitae Variant Classification Sherloc (09022015). Collection method: clinical testing. Allele origin: germline.
Comment: This sequence change replaces glutamic acid, which is acidic and polar, with lysine, which is basic and polar, at codon 361 of the CCDC114 protein (p.Glu361Lys). This variant is present in population databases (no rsID available, gnomAD no frequency), including at least one homozygous and/or hemizygous individual. This variant has not been reported in the literature in individuals affected with CCDC114-related conditions. ClinVar contains an entry for this variant (Variation ID: 525383). An algorithm developed to predict the effect of missense changes on protein structure and function (PolyPhen-2) suggests that this variant is likely to be tolerated. In summary, the available evidence is currently insufficient to determine the role of this variant in disease. Therefore, it has been classified as a Variant of Uncertain Significance.

Blueprint Genetics
Classification: Uncertain significance. Last evaluated: 2024-09-27. Review status: criteria provided, single submitter. Criteria: ACMG Guidelines, 2015. Collection method: clinical testing. Allele origin: germline.

Ambry Genetics
Classification: Uncertain significance for Primary ciliary dyskinesia. Last evaluated: 2017-05-15. Review status: criteria provided, single submitter. Criteria: Ambry Variant Classification Scheme 2023. Collection method: clinical testing. Allele origin: germline.
Comment: The p.E361K variant (also known as c.1081G>A), located in coding exon 9 of the CCDC114 gene, results from a G to A substitution at nucleotide position 1081. The glutamic acid at codon 361 is replaced by lysine, an amino acid with similar properties. This amino acid position is highly conserved in available vertebrate species. In addition, this alteration is predicted to be tolerated by in silico analysis. Since supporting evidence is limited at this time, the clinical significance of this alteration remains unclear.

Breakthrough Genomics
Classification: Uncertain significance. Review status: criteria provided, single submitter. Criteria: ACMG Guidelines, 2015. Collection method: not provided. Allele origin: germline. Inheritance: Autosomal dominant inheritance. Affected: yes.